The following is an entry in ClinVar:

ClinVar aggregate classification (germline): Conflicting classifications of pathogenicity. Review status: criteria provided, conflicting classifications (1 of 4 stars). 5 submissions from 5 submitters: Pathogenic (1); Likely pathogenic (1); Uncertain significance (2). 1 of the submissions does not count toward it. Last evaluated 2026-01-18.

Conditions:
Frontotemporal dementia and/or amyotrophic lateral sclerosis 4. Also called: FTDALS4. Identifiers: Orphanet 275872, MedGen C4225325, MONDO:0014641, OMIM 616439.
Severe SARS-CoV-2 infection, susceptibility to.
Autoinflammation with arthritis and vasculitis. Identifiers: MedGen C5935634, MONDO:0971173, OMIM 620880.

Submissions (7):

3billion
Classification: Pathogenic for Autoinflammation with arthritis and vasculitis. Last evaluated: 2026-01-18. Review status: criteria provided, single submitter. Criteria: ACMG Guidelines, 2015. Collection method: clinical testing. Allele origin: germline. Affected: yes.
Comment: The variant is observed at an extremely low frequency in the gnomAD v4.1.0 dataset (total allele frequency: <0.001%). Predicted Consequence/Location: Canonical splice site: predicted to alter splicing and result in a loss or disruption of normal protein function (PMID: 34210994). Multiple pathogenic loss-of-function variants are reported downstream of the variant. In silico tools predict the variant to alter splicing and produce an abnormal transcript [SpliceAI: 1.00 (spliceogenicity >=0.2, non-spliceogenicity <0.1)]. The variant has been reported as of uncertain significance (ClinVar ID: VCV001050801; PMID: 34210994; 3billion dataset). Therefore, this variant is classified as Pathogenic according to the recommendation of ACMG/AMP guideline.

CeGaT Center for Human Genetics Tuebingen
Classification: Likely pathogenic. Last evaluated: 2025-09-01. Review status: criteria provided, single submitter. Criteria: CeGaT Center For Human Genetics Tuebingen Variant Classification Criteria Version 2. Collection method: clinical testing. Allele origin: germline. Affected: yes. Observed: 5 variant alleles.
Comment: TBK1: PM2, PP1:Moderate, PP3, PS3:Supporting

Mayo Clinic Laboratories, Mayo Clinic
Classification: Uncertain significance. Last evaluated: 2024-01-29. Review status: criteria provided, single submitter. Criteria: ACMG Guidelines, 2015. Collection method: clinical testing. Allele origin: germline. Observed: 1 variant allele.
Comment: PP3

Labcorp Genetics (formerly Invitae), Labcorp
Classification: Uncertain significance for Frontotemporal dementia and/or amyotrophic lateral sclerosis 4. Last evaluated: 2022-02-24. Review status: criteria provided, single submitter. Criteria: Invitae Variant Classification Sherloc (09022015). Collection method: clinical testing. Allele origin: germline.
Comment: In summary, the available evidence is currently insufficient to determine the role of this variant in disease. Therefore, it has been classified as a Variant of Uncertain Significance. Variants that disrupt the consensus splice site are a relatively common cause of aberrant splicing (PMID: 17576681, 9536098). Algorithms developed to predict the effect of sequence changes on RNA splicing suggest that this variant may disrupt the consensus splice site. This variant has not been reported in the literature in individuals affected with TBK1-related conditions. This variant is present in population databases (rs753802322, gnomAD 0.005%). This sequence change falls in intron 16 of the TBK1 gene. It does not directly change the encoded amino acid sequence of the TBK1 protein. It affects a nucleotide within the consensus splice site.

Institute for Genomic Statistics and Bioinformatics, University Hospital Bonn
Classification: risk factor for Severe SARS-CoV-2 infection, susceptibility to. Last evaluated: 2020-10-03. Review status: no assertion criteria provided. Collection method: clinical testing. Allele origin: germline. Affected: yes. Observed: 1 variant allele. Not counted in ClinVar's aggregate classification.
Comment: This variant in homozygous state probably impaires type I interferon immunity and favores a severe disease course of COVID-19.

autosomal recessive inheritance

Dr. Peter K. Rogan Lab, Western University
No classification provided (evidence only). Condition: Cervical cancer. Review status: no classification provided. Collection method: in vitro. Allele origin: not applicable. Functional consequence: skipped exon, retained intron. Not counted in ClinVar's aggregate classification.

Dr. Peter K. Rogan Lab, Western University
No classification provided (evidence only). Condition: Melanoma. Review status: no classification provided. Collection method: in vitro. Allele origin: not applicable. Functional consequence: skipped exon, retained intron. Not counted in ClinVar's aggregate classification.

Literature cited by the submitters: PubMed 34210994 (cited by Mayo Clinic Laboratories, Mayo Clinic); PubMed 17576681 (cited by Labcorp Genetics (formerly Invitae), Labcorp); PubMed 9536098 (cited by Labcorp Genetics (formerly Invitae), Labcorp).

NM_013254.4(TBK1):c.1760+4_1760+7del

Gene: TBK1 (TANK binding kinase 1; plus strand). Cytogenetic location: 12q14.2.
Variant type: Microsatellite.
Coding change: c.1760+4_1760+7del on transcript NM_013254.4 (MANE Select); bases 4 to 7 of the intron after coding-DNA position 1760, 4 bases deleted (AGTA; older notation c.1760+4_1760+7delAGTA).
Molecular consequence: splice donor variant.
Genome position (GRCh38, 1-based): chr12:64,496,410-64,496,413, AGTA deleted; deleting any 4 consecutive bases within chr12:64,496,404-64,496,413 gives the same sequence; the c. name uses the placement nearest the transcript's 3' end. VCF-style (leftmost placement, unchanged base first): chr12-64496403-ATAAG-A. GRCh37 (hg19) VCF-style: chr12-64890183-ATAAG-A.
Other names: NC_000012.11:g.64890190_64890193del.
Identifiers: ClinVar variation 1050801 (VCV001050801.27), dbSNP rs753802322, ClinGen allele CA6669149.
Genomic context (GRCh38, chr12:64,496,403, plus strand): 5'-AGTAATATATTTTCCTATTTCTAGGATTAGCTTATAATGAAGAACAAATCCACAAATTTG[ATAAG>A]TAAGTATCCAGATTATGTTTAATAGTTATTTTTGGTGCTATTTTGGTTATCTTTATTAAT-3'